The following is an entry in ClinVar:

ClinVar aggregate classification (germline): Uncertain significance (1 of 4 stars; one submission).

Conditions:
Inborn genetic diseases. Identifiers: MedGen C0950123, MeSH D030342.

Submission:

Ambry Genetics
Classification: Uncertain significance for Inborn genetic diseases. Last evaluated: 2025-02-23. Review status: criteria provided, single submitter. Criteria: Ambry Variant Classification Scheme 2023. Collection method: clinical testing. Allele origin: germline.
Comment: The p.D924A variant (also known as c.2771A>C), located in coding exon 28 of the FANCA gene, results from an A to C substitution at nucleotide position 2771. The aspartic acid at codon 924 is replaced by alanine, an amino acid with dissimilar properties. This amino acid position is conserved. In addition, this alteration is predicted to be tolerated by in silico analysis. Based on the available evidence, the clinical significance of this variant remains unclear.

NM_000135.4(FANCA):c.2771A>C (p.Asp924Ala)

Gene: FANCA (FA complementation group A; minus strand). Cytogenetic location: 16q24.3.
Variant type: single nucleotide variant.
Coding change: c.2771A>C on transcript NM_000135.4 (MANE Select); coding-DNA position 2771, A replaced by C.
Protein change: p.Asp924Ala; replaces aspartic acid 924 with alanine.
Molecular consequence: missense variant.
Genome position (GRCh38, 1-based): chr16:89,764,897, T>G on the plus strand (A>C on the coding strand, the complement: FANCA is on the minus strand). VCF-style: chr16-89764897-T-G. GRCh37 (hg19) VCF-style: chr16-89831305-T-G.
Other names: c.2771A>C, p.Asp924Ala (NM_001286167.3); short protein forms D924A.
Identifiers: ClinVar variation 3848263 (VCV003848263.1).